The following is an entry in ClinVar:

ClinVar aggregate classification (germline): Uncertain significance (1 of 4 stars; one submission).

Allele frequency attached by ClinVar (database versions not stated): TOPMed below 0.00001.
gnomAD v4.1: 5 of 1,613,074 alleles (0.00031%); highest among the groups gnomAD compares: Non-Finnish European, 0.00042%; no homozygotes.

Submission:

Labcorp Genetics (formerly Invitae), Labcorp
Classification: Uncertain significance. Last evaluated: 2022-06-20. Review status: criteria provided, single submitter. Criteria: Invitae Variant Classification Sherloc (09022015). Collection method: clinical testing. Allele origin: germline.
Comment: This sequence change replaces methionine, which is neutral and non-polar, with arginine, which is basic and polar, at codon 761 of the MYSM1 protein (p.Met761Arg). This variant is present in population databases (rs753911600, gnomAD 0.002%). This variant has not been reported in the literature in individuals affected with MYSM1-related conditions. Algorithms developed to predict the effect of missense changes on protein structure and function are either unavailable or do not agree on the potential impact of this missense change (SIFT: "Tolerated"; PolyPhen-2: "Probably Damaging"; Align-GVGD: "Class C0"). In summary, the available evidence is currently insufficient to determine the role of this variant in disease. Therefore, it has been classified as a Variant of Uncertain Significance.

NM_001085487.3(MYSM1):c.2282T>G (p.Met761Arg)

Gene: MYSM1 (Myb like, SWIRM and MPN domains 1; minus strand). Cytogenetic location: 1p32.1.
Variant type: single nucleotide variant.
Coding change: c.2282T>G on transcript NM_001085487.3 (MANE Select); coding-DNA position 2282, T replaced by G.
Protein change: p.Met761Arg; replaces methionine 761 with arginine.
Molecular consequence: missense variant.
Genome position (GRCh38, 1-based): chr1:58,661,216, A>C on the plus strand (T>G on the coding strand, the complement: MYSM1 is on the minus strand). VCF-style: chr1-58661216-A-C. GRCh37 (hg19) VCF-style: chr1-59126888-A-C.
Other names: short protein forms M761R.
Identifiers: ClinVar variation 1381591 (VCV001381591.8), dbSNP rs753911600, ClinGen allele CA877557.
Genomic context (GRCh38, chr1:58,661,216, plus strand): 5'-TGAAGACAGCTTACTTTCTGCAAACAAGTCAGGTCAGAATCCCGGCGAAAGATTTTATCC[A>C]TGGGGACGCTGCTGTAGGAAGAAATATGAAAACAAACTGGTGAAACGAATACTATAAACT-3'
Protein context (NP_001078956.1, residues 751-771): KYRLSHSSVP[Met761Arg]DKIFRRDSDL